The following is an entry in ClinVar:

ClinVar aggregate classification (germline): Uncertain significance. Review status: criteria provided, multiple submitters, no conflicts (2 of 4 stars). 4 submissions from 4 submitters: Uncertain significance (4). Last evaluated 2025-05-27.

Conditions:
Brugada syndrome 4 (BRGDA4). Identifiers: Orphanet 130, MedGen C2678477, MONDO:0012743, OMIM 611876.
Cardiovascular phenotype. Identifiers: MedGen CN230736.

Allele frequency attached by ClinVar (database versions not stated): ExAC 0.00001; gnomAD 0.00001; gnomAD exomes 0.00002; TOPMed 0.00002.
gnomAD v4.1: 34 of 1,613,914 alleles (0.0021%); highest among the groups gnomAD compares: Non-Finnish European, 0.0028%; no homozygotes.

Submissions (4):

Labcorp Genetics (formerly Invitae), Labcorp
Classification: Uncertain significance for Brugada syndrome 4. Last evaluated: 2025-05-27. Review status: criteria provided, single submitter. Criteria: Invitae Variant Classification Sherloc (09022015). Collection method: clinical testing. Allele origin: germline.
Comment: This sequence change replaces glycine, which is neutral and non-polar, with aspartic acid, which is acidic and polar, at codon 83 of the CACNB2 protein (p.Gly83Asp). This variant is present in population databases (rs754596850, gnomAD 0.007%). This missense change has been observed in individual(s) with clinical features of CACNB2-related conditions (PMID: 30975432). This variant is also known as c.410G>A (p.Gly137Asp). ClinVar contains an entry for this variant (Variation ID: 418769). Invitae Evidence Modeling of protein sequence and biophysical properties (such as structural, functional, and spatial information, amino acid conservation, physicochemical variation, residue mobility, and thermodynamic stability) indicates that this missense variant is not expected to disrupt CACNB2 protein function with a negative predictive value of 80%. In summary, the available evidence is currently insufficient to determine the role of this variant in disease. Therefore, it has been classified as a Variant of Uncertain Significance.

Ambry Genetics
Classification: Uncertain significance for Cardiovascular phenotype. Last evaluated: 2023-11-21. Review status: criteria provided, single submitter. Criteria: Ambry Variant Classification Scheme 2023. Collection method: clinical testing. Allele origin: germline.
Comment: The p.G83D variant (also known as c.248G>A), located in coding exon 3 of the CACNB2 gene, results from a G to A substitution at nucleotide position 248. The glycine at codon 83 is replaced by aspartic acid, an amino acid with similar properties. This amino acid position is highly conserved in available vertebrate species. In addition, this alteration is predicted to be deleterious by in silico analysis. Since supporting evidence is limited at this time, the clinical significance of this alteration remains unclear.

GeneDx
Classification: Uncertain significance. Last evaluated: 2022-08-16. Review status: criteria provided, single submitter. Criteria: GeneDx Variant Classification Process June 2021. Collection method: clinical testing. Allele origin: germline. Affected: yes.
Comment: Identified in a patient who experienced sudden cardiac arrest in published literature (Asatryan et al., 2019); In silico analysis supports that this missense variant has a deleterious effect on protein structure/function; Variants in candidate genes are classified as variants of uncertain significance in accordance with ACMG guidelines (Richards et al., 2015); This variant is associated with the following publications: (PMID: 30975432)

Fulgent Genetics
Classification: Uncertain significance for Brugada syndrome 4. Last evaluated: 2021-11-15. Review status: criteria provided, single submitter. Criteria: ACMG Guidelines, 2015. Collection method: clinical testing. Allele origin: unknown.

Literature cited by the submitters: PubMed 30975432 (cited by Labcorp Genetics (formerly Invitae), Labcorp).

NM_201596.3(CACNB2):c.410G>A (p.Gly137Asp)

Gene: CACNB2 (calcium voltage-gated channel auxiliary subunit beta 2; plus strand). Cytogenetic location: 10p12.31.
Variant type: single nucleotide variant.
Coding change: c.410G>A on transcript NM_201596.3 (MANE Select); coding-DNA position 410, G replaced by A.
Protein change: p.Gly137Asp; replaces glycine 137 with aspartic acid.
Molecular consequence: missense variant.
Genome position (GRCh38, 1-based): chr10:18,498,431, G>A. VCF-style: chr10-18498431-G-A. GRCh37 (hg19) VCF-style: chr10-18787360-G-A.
Other names: c.245G>A, p.Gly82Asp (NM_000724.4, NM_001330060.2); c.326G>A, p.Gly109Asp (NM_001167945.2, NM_201571.4, NM_201572.4); c.266G>A, p.Gly89Asp (NM_201570.3); c.248G>A, p.Gly83Asp (NM_201590.3); c.410G>A, p.Gly137Asp (NM_201593.3, NM_201597.3); short protein forms G137D, G83D, G82D, G89D, G109D.
Identifiers: ClinVar variation 418769 (VCV000418769.15), dbSNP rs754596850, ClinGen allele CA5429610.
Genomic context (GRCh38, chr10:18,498,431, plus strand): 5'-TTGCGGTTCGGACAAATGTCAGCTACAGTGCGGCCCATGAAGATGATGTTCCAGTGCCTG[G>A]CATGGCCATCTCATTCGAAGCAAAAGATTTTCTGCATGTTAAGGAAGTAAGGAGAATAAT-3'
Protein context (NP_963890.2, residues 127-147): AAHEDDVPVP[Gly137Asp]MAISFEAKDF